The following is an entry in ClinVar:

NM_022089.4(ATP13A2):c.1466G>A (p.Arg489Gln)

Gene: ATP13A2 (ATPase cation transporting 13A2; minus strand). Cytogenetic location: 1p36.13.
Variant type: single nucleotide variant.
Coding change: c.1466G>A on transcript NM_022089.4 (MANE Select); coding-DNA position 1466, G replaced by A.
Protein change: p.Arg489Gln; replaces arginine 489 with glutamine.
Molecular consequence: missense variant.
Genome position (GRCh38, 1-based): chr1:16,996,052, C>T on the plus strand (G>A on the coding strand, the complement: ATP13A2 is on the minus strand). VCF-style: chr1-16996052-C-T. GRCh37 (hg19) VCF-style: chr1-17322547-C-T.
Other names: c.1451G>A, p.Arg484Gln (NM_001141973.3, NM_001141974.3); short protein forms R484Q, R489Q.
Identifiers: ClinVar variation 2163933 (VCV002163933.4), dbSNP rs760567858, ClinGen allele CA637198.

ClinVar aggregate classification (germline): Uncertain significance (1 of 4 stars; one submission).

Conditions:
Autosomal recessive spastic paraplegia type 78. Identifiers: Orphanet 513436, MedGen C5567893, MONDO:0014975, OMIM 617225.
Kufor-Rakeb syndrome (KRS). Also called: PARKINSON DISEASE 9, AUTOSOMAL RECESSIVE, JUVENILE-ONSET. Identifiers: Orphanet 306674, Orphanet 314632, MedGen C1847640, MONDO:0011706, OMIM 606693.

Allele frequency attached by ClinVar (database versions not stated): gnomAD 0.00001; TOPMed 0.00001.
gnomAD v4.1: 21 of 1,613,980 alleles (0.0013%); highest among the groups gnomAD compares: Non-Finnish European, 0.0017%; no homozygotes.

Submission:

Labcorp Genetics (formerly Invitae), Labcorp
Classification: Uncertain significance for Kufor-Rakeb syndrome; Autosomal recessive spastic paraplegia type 78. Last evaluated: 2022-08-09. Review status: criteria provided, single submitter. Criteria: Invitae Variant Classification Sherloc (09022015). Collection method: clinical testing. Allele origin: germline.
Comment: In summary, the available evidence is currently insufficient to determine the role of this variant in disease. Therefore, it has been classified as a Variant of Uncertain Significance. Advanced modeling of protein sequence and biophysical properties (such as structural, functional, and spatial information, amino acid conservation, physicochemical variation, residue mobility, and thermodynamic stability) performed at Invitae indicates that this missense variant is not expected to disrupt ATP13A2 protein function. This variant has not been reported in the literature in individuals affected with ATP13A2-related conditions. This variant is present in population databases (rs760567858, gnomAD 0.004%). This sequence change replaces arginine, which is basic and polar, with glutamine, which is neutral and polar, at codon 489 of the ATP13A2 protein (p.Arg489Gln).